The following is an entry in ClinVar:

NM_000059.4(BRCA2):c.2226A>T (p.Gln742His)

Gene: BRCA2 (BRCA2 DNA repair associated; plus strand). Cytogenetic location: 13q13.1.
Variant type: single nucleotide variant.
Coding change: c.2226A>T on transcript NM_000059.4 (MANE Select); coding-DNA position 2226, A replaced by T.
Protein change: p.Gln742His; replaces glutamine 742 with histidine.
Molecular consequence: missense variant.
Genome position (GRCh38, 1-based): chr13:32,336,581, A>T. VCF-style: chr13-32336581-A-T. GRCh37 (hg19) VCF-style: chr13-32910718-A-T.
Other names: c.2226A>T, p.Gln742His (NM_001406719.1, NM_001406720.1); short protein forms Q742H.
Identifiers: ClinVar variation 1787993 (VCV001787993.4), dbSNP rs748757085, ClinGen allele CA387770722.

ClinVar aggregate classification (germline): Conflicting classifications of pathogenicity. Review status: criteria provided, conflicting classifications (1 of 4 stars). 2 submissions from 2 submitters: Uncertain significance (1); Likely benign (1). Last evaluated 2023-03-23.

Conditions:
Hereditary cancer-predisposing syndrome. Also called: Neoplastic Syndromes, Hereditary; Tumor predisposition; Hereditary Cancer Syndrome; Hereditary neoplastic syndrome. Identifiers: Orphanet 140162, MedGen C0027672, MeSH D009386, MONDO:0015356.

Submissions (2):

University of Washington Department of Laboratory Medicine, University of Washington
Classification: Likely benign for Hereditary cancer-predisposing syndrome. Last evaluated: 2023-03-23. Review status: criteria provided, single submitter. Criteria: Dines et al. (Genet Med. 2020). Collection method: curation. Allele origin: germline.
Comment: Missense variant in a coldspot region where missense variants are very unlikely to be pathogenic (PMID:31911673).

BRCA2 exon 11 coldspot. Reclassification based on statistical prior probability.

Ambry Genetics
Classification: Uncertain significance for Hereditary cancer-predisposing syndrome. Last evaluated: 2015-11-25. Review status: criteria provided, single submitter. Criteria: Ambry Variant Classification Scheme 2023. Collection method: clinical testing. Allele origin: germline.
Comment: The p.Q742H variant (also known as c.2226A>T), located in coding exon 10 of the BRCA2 gene, results from an A to T substitution at nucleotide position 2226. The glutamine at codon 742 is replaced by histidine, an amino acid with highly similar properties. This variant was not reported in population based cohorts in the following databases: Database of Single Nucleotide Polymorphisms (dbSNP), NHLBI Exome Sequencing Project (ESP), and 1000 Genomes Project. In the ESP, this variant was not observed in 6503 samples (13006 alleles) with coverage at this position. To date, this alteration has been detected with an allele frequency of approximately 0.0004% (greater than 225000 alleles tested) in our clinical cohort. This amino acid position is poorly conserved in available vertebrate species. In addition, this alteration is predicted to be tolerated by in silico analysis. Since supporting evidence is limited at this time, the clinical significance of p.Q742H remains unclear.